The following is an entry in ClinVar:

ClinVar aggregate classification (germline): Uncertain significance (1 of 4 stars; one submission).

Conditions:
Mitochondrial complex II deficiency, nuclear type 1. Also called: SUCCINATE CoQ REDUCTASE DEFICIENCY. Identifiers: Orphanet 3208, MedGen C5700310, MONDO:0100294, OMIM 252011.
Pheochromocytoma/paraganglioma syndrome 5. Also called: Paragangliomas 5; SDHA-Related Hereditary Paraganglioma-Pheochromocytoma Syndrome. Identifiers: Orphanet 29072, MedGen C3279992, MONDO:0013602, OMIM 614165.

Submission:

Labcorp Genetics (formerly Invitae), Labcorp
Classification: Uncertain significance for Pheochromocytoma/paraganglioma syndrome 5; Mitochondrial complex II deficiency, nuclear type 1. Last evaluated: 2020-10-08. Review status: criteria provided, single submitter. Criteria: Invitae Variant Classification Sherloc (09022015). Collection method: clinical testing. Allele origin: germline.
Comment: This sequence change replaces alanine with proline at codon 377 of the SDHA protein (p.Ala377Pro). The alanine residue is moderately conserved and there is a small physicochemical difference between alanine and proline. This variant is not present in population databases (ExAC no frequency). This variant has not been reported in the literature in individuals with SDHA-related conditions. Advanced modeling of protein sequence and biophysical properties (such as structural, functional, and spatial information, amino acid conservation, physicochemical variation, residue mobility, and thermodynamic stability) performed at Invitae indicates that this missense variant is not expected to disrupt SDHA protein function. In summary, the available evidence is currently insufficient to determine the role of this variant in disease. Therefore, it has been classified as a Variant of Uncertain Significance.

NM_004168.4(SDHA):c.1129G>C (p.Ala377Pro)

Gene: SDHA (succinate dehydrogenase complex flavoprotein subunit A; plus strand). Cytogenetic location: 5p15.33.
Variant type: single nucleotide variant.
Coding change: c.1129G>C on transcript NM_004168.4 (MANE Select); coding-DNA position 1129, G replaced by C.
Protein change: p.Ala377Pro; replaces alanine 377 with proline.
Molecular consequence: missense variant.
Genome position (GRCh38, 1-based): chr5:235,208, G>C. VCF-style: chr5-235208-G-C. GRCh37 (hg19) VCF-style: chr5-235323-G-C.
Other names: c.985G>C, p.Ala329Pro (NM_001294332.2); c.1129G>C, p.Ala377Pro (NM_001330758.2); short protein forms A329P, A377P.
Identifiers: ClinVar variation 1011405 (VCV001011405.9), dbSNP rs1735692451, ClinGen allele CA359013516.